The following is an entry in ClinVar:

ClinVar aggregate classification (germline): Uncertain significance. Review status: criteria provided, multiple submitters, no conflicts (2 of 4 stars). 3 submissions from 3 submitters: Uncertain significance (3). Last evaluated 2025-11-07.

Conditions:
Hereditary cancer-predisposing syndrome. Also called: Neoplastic Syndromes, Hereditary; Tumor predisposition; Hereditary neoplastic syndrome; Hereditary Cancer Syndrome. Identifiers: Orphanet 140162, MedGen C0027672, MeSH D009386, MONDO:0015356.
Birt-Hogg-Dube syndrome. Also called: Birt Hogg Dubé syndrome. Identifiers: Orphanet 122, MedGen C0346010, MONDO:0800444.

Submissions (3):

Ambry Genetics
Classification: Uncertain significance for Hereditary cancer-predisposing syndrome. Last evaluated: 2025-11-07. Review status: criteria provided, single submitter. Criteria: Ambry Variant Classification Scheme 2023. Collection method: clinical testing. Allele origin: germline.
Comment: The c.1433-3C>T intronic variant results from a C to T substitution 3 nucleotides upstream from coding exon 10 in the FLCN gene. This nucleotide position is well conserved in available vertebrate species. In silico splice site analysis predicts that this alteration will not have any significant effect on splicing. Based on the available evidence, the clinical significance of this variant remains unclear.

Labcorp Genetics (formerly Invitae), Labcorp
Classification: Uncertain significance for Birt-Hogg-Dube syndrome. Last evaluated: 2024-02-19. Review status: criteria provided, single submitter. Criteria: Invitae Variant Classification Sherloc (09022015). Collection method: clinical testing. Allele origin: germline.
Comment: This sequence change falls in intron 12 of the FLCN gene. It does not directly change the encoded amino acid sequence of the FLCN protein. It affects a nucleotide within the consensus splice site. This variant is not present in population databases (gnomAD no frequency). This variant has not been reported in the literature in individuals affected with FLCN-related conditions. ClinVar contains an entry for this variant (Variation ID: 1490213). Variants that disrupt the consensus splice site are a relatively common cause of aberrant splicing (PMID: 17576681, 9536098). Algorithms developed to predict the effect of sequence changes on RNA splicing suggest that this variant is not likely to affect RNA splicing. In summary, the available evidence is currently insufficient to determine the role of this variant in disease. Therefore, it has been classified as a Variant of Uncertain Significance.

Breakthrough Genomics
Classification: Uncertain significance. Review status: criteria provided, single submitter. Criteria: ACMG Guidelines, 2015. Collection method: not provided. Allele origin: germline. Inheritance: Autosomal dominant inheritance. Affected: yes.

Literature cited by the submitters: PubMed 17576681 (cited by Labcorp Genetics (formerly Invitae), Labcorp); PubMed 9536098 (cited by Labcorp Genetics (formerly Invitae), Labcorp).

NM_144997.7(FLCN):c.1433-3C>T

Gene: FLCN (folliculin; minus strand). Cytogenetic location: 17p11.2.
Variant type: single nucleotide variant.
Coding change: c.1433-3C>T on transcript NM_144997.7 (MANE Select); 3 bases into the intron before coding-DNA position 1433, C replaced by T.
Molecular consequence: intron variant.
Genome position (GRCh38, 1-based): chr17:17,215,093, G>A on the plus strand (C>T on the coding strand, the complement: FLCN is on the minus strand). VCF-style: chr17-17215093-G-A. GRCh37 (hg19) VCF-style: chr17-17118407-G-A.
Other names: c.1433-3C>T (NM_001353231.2, NM_001353230.2, NM_144997.5); c.1487-3C>T (NM_001353229.2).
Identifiers: ClinVar variation 1490213 (VCV001490213.8), dbSNP rs2144834079, ClinGen allele CA2573153083.